The following is an entry in ClinVar:

NM_016816.4(OAS1):c.1054G>A (p.Ala352Thr)

Gene: OAS1 (2'-5'-oligoadenylate synthetase 1; plus strand). Cytogenetic location: 12q24.13.
Variant type: single nucleotide variant.
Coding change: c.1054G>A on transcript NM_016816.4 (MANE Select); coding-DNA position 1054, G replaced by A.
Protein change: p.Ala352Thr; replaces alanine 352 with threonine.
Molecular consequence: missense variant. On other transcripts: intron variant (2).
Genome position (GRCh38, 1-based): chr12:112,919,404, G>A. VCF-style: chr12-112919404-G-A. GRCh37 (hg19) VCF-style: chr12-113357209-G-A.
Other names: p.Ala352Thr; c.1038+1704G>A (NM_001320151.2); c.1039-83G>A (NM_001032409.3); short protein forms A352T.
Identifiers: ClinVar variation 1167216 (VCV001167216.18), dbSNP rs1131476, ClinGen allele CA6799996.

ClinVar aggregate classification (germline): Benign. Review status: criteria provided, multiple submitters, no conflicts (2 of 4 stars). 7 submissions from 7 submitters: Benign (6). 1 of the submissions does not count toward it. Last evaluated 2026-02-04.

Conditions:
OAS1-related disorder. Also called: OAS1-related condition.

Allele frequency attached by ClinVar (database versions not stated): 1000 Genomes Project 0.78774; gnomAD exomes 0.67013 and 0.71467; gnomAD 0.75106 and 0.75485; ExAC 0.71774; ESP Exome Variant Server 0.73981; TOPMed 0.76273; 1000 Genomes Project 30x 0.79232.
gnomAD v4.1: 1,086,058 of 1,602,930 alleles (68%); highest among the groups gnomAD compares: African/African-American, 93%; 374,330 homozygotes.

Submissions (7):

Labcorp Genetics (formerly Invitae), Labcorp
Classification: Benign. Last evaluated: 2026-02-04. Review status: criteria provided, single submitter. Criteria: Invitae Variant Classification Sherloc (09022015). Collection method: clinical testing. Allele origin: germline.

Women's Health and Genetics/Laboratory Corporation of America, LabCorp
Classification: Benign. Last evaluated: 2026-01-21. Review status: criteria provided, single submitter. Criteria: LabCorp Variant Classification Summary - May 2015. Collection method: clinical testing. Allele origin: germline.

Unidad de Genómica Garrahan, Hospital de Pediatría Garrahan
Classification: Benign. Last evaluated: 2024-01-24. Review status: criteria provided, single submitter. Criteria: ACMG Guidelines, 2015. Collection method: clinical testing. Allele origin: germline. Affected: no. Observed: 89 variant alleles.
Comment: This variant is classified as Benign based on local population frequency. This variant was detected in 94% of patients studied by a panel of primary immunodeficiencies. Number of patients: 89. Only high quality variants are reported.

Mayo Clinic Laboratories, Mayo Clinic
Classification: Benign. Last evaluated: 2022-09-06. Review status: criteria provided, single submitter. Criteria: ACMG Guidelines, 2015. Collection method: clinical testing. Allele origin: germline. Observed: 404 variant alleles.

GeneDx
Classification: Benign. Last evaluated: 2021-05-04. Review status: criteria provided, single submitter. Criteria: GeneDx Variant Classification Process June 2021. Collection method: clinical testing. Allele origin: germline. Affected: yes.

Breakthrough Genomics
Classification: Benign. Review status: criteria provided, single submitter. Criteria: ACMG Guidelines, 2015. Collection method: not provided. Allele origin: germline. Inheritance: Autosomal dominant inheritance. Affected: yes.

PreventionGenetics, part of Exact Sciences
Classification: Benign for OAS1-related condition. Last evaluated: 2019-05-17. Review status: no assertion criteria provided. Collection method: clinical testing. Allele origin: germline. Not counted in ClinVar's aggregate classification.
Comment: This variant is classified as benign based on ACMG/AMP sequence variant interpretation guidelines (Richards et al. 2015 PMID: 25741868, with internal and published modifications).